The following is an entry in ClinVar:

NM_001371596.2(MFSD8):c.1322A>G (p.Tyr441Cys)

Gene: MFSD8 (major facilitator superfamily domain containing 8; minus strand). Cytogenetic location: 4q28.2.
Variant type: single nucleotide variant.
Coding change: c.1322A>G on transcript NM_001371596.2 (MANE Select); coding-DNA position 1322, A replaced by G.
Protein change: p.Tyr441Cys; replaces tyrosine 441 with cysteine.
Molecular consequence: missense variant.
Genome position (GRCh38, 1-based): chr4:127,921,552, T>C on the plus strand (A>G on the coding strand, the complement: MFSD8 is on the minus strand). VCF-style: chr4-127921552-T-C. GRCh37 (hg19) VCF-style: chr4-128842707-T-C.
Other names: c.1121A>G, p.Tyr374Cys (NM_001363520.3); c.1007A>G, p.Tyr336Cys (NM_001363521.3); c.1187A>G, p.Tyr396Cys (NM_001371590.2); c.1322A>G, p.Tyr441Cys (NM_001371591.2, NM_152778.4); c.1328A>G, p.Tyr443Cys (NM_001371592.2); c.1208A>G, p.Tyr403Cys (NM_001371593.2); c.1175A>G, p.Tyr392Cys (NM_001371594.2); c.1040A>G, p.Tyr347Cys (NM_001371595.1); and 2 more; short protein forms Y441C, Y336C, Y374C, Y347C, Y392C, Y396C, Y403C, Y443C.
Identifiers: ClinVar variation 533375 (VCV000533375.12), dbSNP rs749153763, ClinGen allele CA3077253.

ClinVar aggregate classification (germline): Uncertain significance. Review status: criteria provided, multiple submitters, no conflicts (2 of 4 stars). 5 submissions from 5 submitters: Uncertain significance (4). 1 of the submissions does not count toward it. Last evaluated 2026-02-24.

Conditions:
Neuronal ceroid lipofuscinosis 7 (CLN7). Also called: MFSD8-Related Neuronal Ceroid-Lipofuscinosis. Identifiers: Orphanet 168491, Orphanet 228366, MedGen C1838571, MONDO:0012588, OMIM 610951.
Inborn genetic diseases. Identifiers: MedGen C0950123, MeSH D030342.
Late-infantile neuronal ceroid lipofuscinosis. Also called: Jansky-Bielschowsky disease. Identifiers: MedGen C0022340, MONDO:0015674.

Allele frequency attached by ClinVar (database versions not stated): TOPMed 0.00002; gnomAD exomes 0.00004 and 0.00002; ExAC 0.00002.
gnomAD v4.1: 10 of 1,614,196 alleles (0.00062%); highest among the groups gnomAD compares: Admixed American, 0.017%; no homozygotes.

Submissions (5):

GeneDx
Classification: Uncertain significance. Last evaluated: 2026-02-24. Review status: criteria provided, single submitter. Criteria: GeneDx Variant Classification Process June 2021. Collection method: clinical testing. Allele origin: germline.
Comment: In silico analysis supports that this missense variant has a deleterious effect on protein structure/function; Has not been previously published as pathogenic or benign to our knowledge

Labcorp Genetics (formerly Invitae), Labcorp
Classification: Uncertain significance for Neuronal ceroid lipofuscinosis 7. Last evaluated: 2024-01-24. Review status: criteria provided, single submitter. Criteria: Invitae Variant Classification Sherloc (09022015). Collection method: clinical testing. Allele origin: germline.
Comment: This sequence change replaces tyrosine, which is neutral and polar, with cysteine, which is neutral and slightly polar, at codon 441 of the MFSD8 protein (p.Tyr441Cys). This variant is present in population databases (rs749153763, gnomAD 0.02%). This variant has not been reported in the literature in individuals affected with MFSD8-related conditions. ClinVar contains an entry for this variant (Variation ID: 533375). Advanced modeling of protein sequence and biophysical properties (such as structural, functional, and spatial information, amino acid conservation, physicochemical variation, residue mobility, and thermodynamic stability) performed at Invitae indicates that this missense variant is expected to disrupt MFSD8 protein function with a positive predictive value of 80%. In summary, the available evidence is currently insufficient to determine the role of this variant in disease. Therefore, it has been classified as a Variant of Uncertain Significance.

Blueprint Genetics
Classification: Uncertain significance. Last evaluated: 2022-07-18. Review status: criteria provided, single submitter. Criteria: ACMG Guidelines, 2015. Collection method: clinical testing. Allele origin: germline.

Ambry Genetics
Classification: Uncertain significance for Inborn genetic diseases. Last evaluated: 2019-01-31. Review status: criteria provided, single submitter. Criteria: Ambry Variant Classification Scheme 2023. Collection method: clinical testing. Allele origin: germline.
Comment: The p.Y441C variant (also known as c.1322A>G), located in coding exon 11 of the MFSD8 gene, results from an A to G substitution at nucleotide position 1322. The tyrosine at codon 441 is replaced by cysteine, an amino acid with highly dissimilar properties. This amino acid position is highly conserved in available vertebrate species. In addition, this alteration is predicted to be deleterious by in silico analysis. Since supporting evidence is limited at this time, the clinical significance of this alteration remains unclear.

Natera, Inc.
Classification: Uncertain significance for Late-infantile neuronal ceroid lipofuscinosis. Last evaluated: 2019-11-11. Review status: no assertion criteria provided. Collection method: clinical testing. Allele origin: germline. Not counted in ClinVar's aggregate classification.